The following is an entry in ClinVar:

NM_015978.3(TNNI3K):c.1264+1G>A

Genes: FPGT-TNNI3K (FPGT-TNNI3K readthrough; plus strand), TNNI3K (TNNI3 interacting kinase; plus strand). Cytogenetic location: 1p31.1.
Variant type: single nucleotide variant.
Coding change: c.1264+1G>A on transcript NM_015978.3 (MANE Select); the canonical splice donor site of the intron after coding-DNA position 1264, G replaced by A.
Molecular consequence: splice donor variant.
Genome position (GRCh38, 1-based): chr1:74,367,343, G>A. VCF-style: chr1-74367343-G-A. GRCh37 (hg19) VCF-style: chr1-74833027-G-A.
Other names: c.1567+1G>A (NM_001112808.3, NM_001199327.2).
Identifiers: ClinVar variation 1390333 (VCV001390333.6), dbSNP rs201614061, ClinGen allele CA24543153.

ClinVar aggregate classification (germline): Uncertain significance (1 of 4 stars; one submission).

Submission:

Labcorp Genetics (formerly Invitae), Labcorp
Classification: Uncertain significance. Last evaluated: 2023-05-18. Review status: criteria provided, single submitter. Criteria: Invitae Variant Classification Sherloc (09022015). Collection method: clinical testing. Allele origin: germline.
Comment: In summary, the available evidence is currently insufficient to determine the role of this variant in disease. Therefore, it has been classified as a Variant of Uncertain Significance. Algorithms developed to predict the effect of sequence changes on RNA splicing suggest that this variant may disrupt the consensus splice site. ClinVar contains an entry for this variant (Variation ID: 1390333). This variant has not been reported in the literature in individuals affected with TNNI3K-related conditions. This variant is not present in population databases (gnomAD no frequency). This sequence change affects a donor splice site in intron 12 of the TNNI3K gene. It is expected to disrupt RNA splicing. Variants that disrupt the donor or acceptor splice site typically lead to a loss of protein function (PMID: 16199547), however the current clinical and genetic evidence is not sufficient to establish whether loss-of-function variants in TNNI3K cause disease.

Literature cited by the submitters: PubMed 16199547.